The following is an entry in ClinVar:

NM_015073.3(SIPA1L3):c.2368G>A (p.Asp790Asn)

Gene: SIPA1L3 (signal induced proliferation associated 1 like 3; plus strand). Cytogenetic location: 19q13.13.
Variant type: single nucleotide variant.
Coding change: c.2368G>A on transcript NM_015073.3 (MANE Select); coding-DNA position 2368, G replaced by A.
Protein change: p.Asp790Asn; replaces aspartic acid 790 with asparagine.
Molecular consequence: missense variant.
Genome position (GRCh38, 1-based): chr19:38,119,382, G>A. VCF-style: chr19-38119382-G-A. GRCh37 (hg19) VCF-style: chr19-38610022-G-A.
Other names: short protein forms D790N.
Identifiers: ClinVar variation 2420681 (VCV002420681.6), dbSNP rs769466798, ClinGen allele CA9409687.

ClinVar aggregate classification (germline): Uncertain significance (1 of 4 stars; one submission).

Allele frequency attached by ClinVar (database versions not stated): TOPMed 0.00005.
gnomAD v4.1: 34 of 1,613,942 alleles (0.0021%); highest among the groups gnomAD compares: Middle Eastern, 0.016%; no homozygotes.

Submission:

Labcorp Genetics (formerly Invitae), Labcorp
Classification: Uncertain significance. Last evaluated: 2022-04-16. Review status: criteria provided, single submitter. Criteria: Invitae Variant Classification Sherloc (09022015). Collection method: clinical testing. Allele origin: germline.
Comment: This sequence change replaces aspartic acid, which is acidic and polar, with asparagine, which is neutral and polar, at codon 790 of the SIPA1L3 protein (p.Asp790Asn). This variant is present in population databases (rs769466798, gnomAD 0.006%). This variant has not been reported in the literature in individuals affected with SIPA1L3-related conditions. Algorithms developed to predict the effect of missense changes on protein structure and function (SIFT, PolyPhen-2, Align-GVGD) all suggest that this variant is likely to be tolerated. In summary, the available evidence is currently insufficient to determine the role of this variant in disease. Therefore, it has been classified as a Variant of Uncertain Significance.